The following is an entry in ClinVar:

ClinVar aggregate classification (germline): Conflicting classifications of pathogenicity. Review status: criteria provided, conflicting classifications (1 of 4 stars). 10 submissions from 9 submitters: Uncertain significance (7); Likely benign (1). 2 of the submissions do not count toward it. Last evaluated 2026-01-16.

Conditions:
SLC26A4-related disorder. Also called: SLC26A4-related condition; SLC26A4-related disorders.
Pendred syndrome (PDS). Also called: DEAFNESS WITH GOITER; GOITER-DEAFNESS SYNDROME; HYPOTHYROIDISM, CONGENITAL, DUE TO DYSHORMONOGENESIS, 2B; Pendred's syndrome; Pendred Syndrome (PDS); THYROID DYSHORMONOGENESIS 2B. Identifiers: Orphanet 705, MedGen C0271829, MONDO:0010134, OMIM 274600.
Autosomal recessive nonsyndromic hearing loss 4 (DFNB4). Also called: Deafness, autosomal recessive 4, with enlarged vestibular aqueduct; DEAFNESS, AUTOSOMAL RECESSIVE 4, WITH ENLARGED VESTIBULAR AQUEDUCT, DIGENIC; Deafness, autosomal recessive 4; FOXI1-Related Pendred Syndrome; KCNJ10-Related Pendred Syndrome; Enlarged vestibular aqueduct, digenic. Identifiers: Orphanet 90636, MedGen C3538946, MONDO:0010933, OMIM 600791.

Allele frequency attached by ClinVar (database versions not stated): gnomAD exomes 0.00016; 1000 Genomes Project 0.00020; 1000 Genomes Project 30x 0.00031; ESP Exome Variant Server 0.00041; ExAC 0.00042; gnomAD 0.00051; TOPMed 0.00080.
gnomAD v4.1: 174 of 1,570,026 alleles (0.011%); highest among the groups gnomAD compares: African/African-American, 0.21%; no homozygotes.

Submissions (10):

Labcorp Genetics (formerly Invitae), Labcorp
Classification: Likely benign. Last evaluated: 2026-01-16. Review status: criteria provided, single submitter. Criteria: Invitae Variant Classification Sherloc (09022015). Collection method: clinical testing. Allele origin: germline.

Blueprint Genetics
Classification: Uncertain significance. Last evaluated: 2024-11-14. Review status: criteria provided, single submitter. Criteria: ACMG Guidelines, 2015. Collection method: clinical testing. Allele origin: germline.

PreventionGenetics, part of Exact Sciences
Classification: Uncertain significance for SLC26A4-related condition. Last evaluated: 2023-05-10. Review status: criteria provided, single submitter. Criteria: ACMG Guidelines, 2015. Collection method: clinical testing. Allele origin: germline.
Comment: The SLC26A4 c.28C>A variant is predicted to result in the amino acid substitution p.Pro10Thr. This variant was reported in an individual with enlarged vestibular aqueduct along with two other potentially pathogenic variants (described as P1028C>A, Madden. 2007. PubMed ID: 17309986) and has been reported as likely benign by an expert panel (Table S3, Azaiez. 2018. PubMed ID: 30245029). This variant is reported in 0.20% of alleles in individuals of African descent in gnomAD. While we suspect this variant may be benign, at this time, the clinical significance of this variant is uncertain due to the absence of conclusive functional and genetic evidence.

Revvity Omics, Revvity
Classification: Uncertain significance. Last evaluated: 2022-12-01. Review status: criteria provided, single submitter. Criteria: ACMG Guidelines, 2015. Collection method: clinical testing. Allele origin: germline.

Laboratory for Molecular Medicine, Mass General Brigham Personalized Medicine
Classification: Uncertain significance. Last evaluated: 2022-06-30. Review status: criteria provided, single submitter. Criteria: ACMG Guidelines, 2015. Collection method: clinical testing. Allele origin: germline.
Comment: The p.Pro10Thr variant in SLC26A4 has been reported in three individuals with enlarged vestibular aqueduct and in 1 individual with hearing loss (EVA; Madden 2007 PMID: 17309986, Greinwald 2013 PMID: 23401162, LMM data). One of these individuals also carried two additional variants in the SLC26A4 gene and it is unclear which of these variants, if any, are responsible for the EVA. It has also been identified in 0.2% (96/41480) of African chromosomes by gnomAD v. 3. This variant has also been reported in ClinVar (Variation ID 43550). Computational prediction tools and conservation analyses do not provide strong support for or against an impact to the protein. In summary, the clinical significance of this variant cannot be determined with certainty; however based upon the computational predictions and the presence of this variant in the general population, we would lean towards a more likely benign role. ACMG/AMP Criteria applied: BS1_P.

Genome-Nilou Lab
Classification: Uncertain significance for Autosomal recessive nonsyndromic hearing loss 4. Last evaluated: 2021-09-05. Review status: criteria provided, single submitter. Criteria: ACMG Guidelines, 2015. Collection method: clinical testing. Allele origin: germline. Affected: no.

Genome-Nilou Lab
Classification: Uncertain significance for Pendred syndrome. Last evaluated: 2021-09-05. Review status: criteria provided, single submitter. Criteria: ACMG Guidelines, 2015. Collection method: clinical testing. Allele origin: germline. Affected: no.

Eurofins Ntd Llc (ga)
Classification: Uncertain significance. Last evaluated: 2017-02-06. Review status: criteria provided, single submitter. Criteria: EGL Classification Definitions 2015. Collection method: clinical testing. Allele origin: germline. Observed: 2 variant alleles, 2 heterozygotes.

Natera, Inc.
Classification: Uncertain significance for Pendred syndrome. Last evaluated: 2020-01-07. Review status: no assertion criteria provided. Collection method: clinical testing. Allele origin: germline. Not counted in ClinVar's aggregate classification.

Counsyl
Classification: Uncertain significance for Pendred syndrome. Last evaluated: 2017-02-03. Review status: no assertion criteria provided. Collection method: clinical testing. Allele origin: unknown. Not counted in ClinVar's aggregate classification.

Literature cited by the submitters: PubMed 17309986 (cited by Laboratory for Molecular Medicine, Mass General Brigham Personalized Medicine and Counsyl); PubMed 23401162 (cited by Counsyl).

NM_000441.1(SLC26A4):c.28C>A (p.Pro10Thr)

Genes: SLC26A4 (solute carrier family 26 member 4; plus strand), SLC26A4-AS1 (SLC26A4 antisense RNA 1; minus strand). Cytogenetic location: 7q22.3.
Variant type: single nucleotide variant.
Coding change: c.28C>A on transcript NM_000441.1; coding-DNA position 28, C replaced by A.
Protein change: p.Pro10Thr; replaces proline 10 with threonine.
Genome position (GRCh38, 1-based): chr7:107,661,669, C>A. VCF-style: chr7-107661669-C-A. GRCh37 (hg19) VCF-style: chr7-107302114-C-A.
Other names: c.28C>A, p.Pro10Thr (NM_000441.2); short protein forms P10T.
Identifiers: ClinVar variation 43550 (VCV000043550.26), dbSNP rs200102493, ClinGen allele CA132721.
Genomic context (GRCh38, chr7:107,661,669, plus strand): 5'-CCTCCCTCCTCGCTGTCCTCTGGCTCGCAGGTCATGGCAGCGCCAGGCGGCAGGTCGGAG[C>A]CGCCGCAGCTCCCCGAGTACAGCTGCAGCTACATGGTGTCGCGGCCGGTCTACAGCGAGC-3'
Protein context (NP_000432.1, residues 1-20): MAAPGGRSE[Pro10Thr]PQLPEYSCSY